The following is an entry in ClinVar:

ClinVar aggregate classification (germline): Uncertain significance. Review status: criteria provided, multiple submitters, no conflicts (2 of 4 stars). 4 submissions from 4 submitters: Uncertain significance (4). Last evaluated 2026-07-22.

Conditions:
BODY MASS INDEX QUANTITATIVE TRAIT LOCUS 20 (BMIQ20). Also called: MELANOCORTIN 4 RECEPTOR DEFICIENCY; MC4R DEFICIENCY. Identifiers: MedGen C4759928, OMIM 618406.
Monogenic diabetes. Identifiers: Orphanet 183625, MedGen C3888631, MONDO:0015967.
MC4R-related disorder. Also called: MC4R-related condition.

Allele frequency attached by ClinVar (database versions not stated): gnomAD exomes 0.00007 and 0.00016; ExAC 0.00020; gnomAD 0.00038 and 0.00043; TOPMed 0.00040; ESP Exome Variant Server 0.00046; 1000 Genomes Project 30x 0.00078; 1000 Genomes Project 0.00080.

Submissions (4):

PreventionGenetics, part of Exact Sciences
Classification: Uncertain significance for MC4R-related condition. Last evaluated: 2026-07-22. Review status: criteria provided, single submitter. Criteria: ACMG Guidelines, 2015. Collection method: clinical testing. Allele origin: germline.
Comment: The MC4R c.719A>G variant is predicted to result in the amino acid substitution p.Asn240Ser. This variant has been reported in lean individuals in multiple publications and is most likely a benign polymorphism (Jacobson et al. 2002. PubMed ID: 12364415; Calton et al. 2009. PubMed ID: 19091795; Xiang et al. 2010. PubMed ID: 20462274). Functional studies provide conflicting results, where some studies indicate a modest decrease in alpha-MSH binding, slight reduction in surface expression, and decreased intracellular signaling in vitro, making it a candidate for contributing to weight gain (Tao et al. 2005. PubMed ID: 16030156; Kim et al. 2008. PubMed ID: 17986382; Xiang et al. 2010. PubMed ID: 20462274; Stäubert et al. 2007. PubMed ID: 17628007). Other functional studies report no functional defects (He et al. 2014. PubMed ID: 25332687; Calton et al. 2009. PubMed ID: 19091795). Finally, this variant was detected in a case/control study in four individuals with obesity and one control (Deliard et al. 2013. PubMed ID: 23505181). Due to the small cohort sizes we interpret these data as inconclusive. This variant is reported in 0.19% of alleles in individuals of African descent in gnomAD. At this time, the clinical significance of this variant is uncertain.

Labcorp Genetics (formerly Invitae), Labcorp
Classification: Uncertain significance. Last evaluated: 2025-10-08. Review status: criteria provided, single submitter. Criteria: Invitae Variant Classification Sherloc (09022015). Collection method: clinical testing. Allele origin: germline.
Comment: This sequence change replaces asparagine, which is neutral and polar, with serine, which is neutral and polar, at codon 240 of the MC4R protein (p.Asn240Ser). This variant is present in population databases (rs202228712, gnomAD 0.2%). This missense change has been observed in individual(s) with obesity (PMID: 23505181, 29970488, 32952152). ClinVar contains an entry for this variant (Variation ID: 917432). Invitae Evidence Modeling of protein sequence and biophysical properties (such as structural, functional, and spatial information, amino acid conservation, physicochemical variation, residue mobility, and thermodynamic stability) indicates that this missense variant is not expected to disrupt MC4R protein function with a negative predictive value of 80%. Experimental studies are conflicting or provide insufficient evidence to determine the effect of this variant on MC4R function (PMID: 16030156, 17628007, 20462274, 25332687). In summary, the available evidence is currently insufficient to determine the role of this variant in disease. Therefore, it has been classified as a Variant of Uncertain Significance.

Fulgent Genetics
Classification: Uncertain significance for BODY MASS INDEX QUANTITATIVE TRAIT LOCUS 20. Last evaluated: 2022-02-26. Review status: criteria provided, single submitter. Criteria: ACMG Guidelines, 2015. Collection method: clinical testing. Allele origin: unknown.

Personalized Diabetes Medicine Program, University of Maryland School of Medicine
Classification: Uncertain significance for Monogenic diabetes. Last evaluated: 2018-10-26. Review status: criteria provided, single submitter. Criteria: ACMG Guidelines, 2015. Collection method: research. Allele origin: unknown. Observed: 1 variant allele, 1 heterozygote.
Comment: ACMG criteria: BP4 (REVEL 0.080 + 7 predictors, not using PP3/3 predictors)= VUS; Not using PS3 because some papers show functional effect, others show no effect (25332687, 16030156, 17628007, 17986382, 15975705). Not using case/control data beccause 5 obese cases and 3 lean controls in literature (12364415, 22492873, 23505181, 19091795).

Literature cited by the submitters: PubMed 23505181 (cited by Labcorp Genetics (formerly Invitae), Labcorp and Personalized Diabetes Medicine Program, University of Maryland School of Medicine); PubMed 29970488 (cited by Labcorp Genetics (formerly Invitae), Labcorp); PubMed 32952152 (cited by Labcorp Genetics (formerly Invitae), Labcorp); PubMed 16030156 (cited by Labcorp Genetics (formerly Invitae), Labcorp and Personalized Diabetes Medicine Program, University of Maryland School of Medicine); PubMed 17628007 (cited by Labcorp Genetics (formerly Invitae), Labcorp and Personalized Diabetes Medicine Program, University of Maryland School of Medicine); PubMed 20462274 (cited by Labcorp Genetics (formerly Invitae), Labcorp); PubMed 25332687 (cited by Labcorp Genetics (formerly Invitae), Labcorp and Personalized Diabetes Medicine Program, University of Maryland School of Medicine); PubMed 17986382 (cited by Personalized Diabetes Medicine Program, University of Maryland School of Medicine); PubMed 15975705 (cited by Personalized Diabetes Medicine Program, University of Maryland School of Medicine); PubMed 12364415 (cited by Personalized Diabetes Medicine Program, University of Maryland School of Medicine); PubMed 22492873 (cited by Personalized Diabetes Medicine Program, University of Maryland School of Medicine); PubMed 19091795 (cited by Personalized Diabetes Medicine Program, University of Maryland School of Medicine).

NM_005912.3(MC4R):c.719A>G (p.Asn240Ser)

Gene: MC4R (melanocortin 4 receptor; minus strand). Cytogenetic location: 18q21.32.
Variant type: single nucleotide variant.
Coding change: c.719A>G on transcript NM_005912.3 (MANE Select); coding-DNA position 719, A replaced by G.
Protein change: p.Asn240Ser; replaces asparagine 240 with serine.
Molecular consequence: missense variant.
Genome position (GRCh38, 1-based): chr18:60,371,631, T>C on the plus strand (A>G on the coding strand, the complement: MC4R is on the minus strand). VCF-style: chr18-60371631-T-C. GRCh37 (hg19) VCF-style: chr18-58038864-T-C.
Other names: c.719A>G (NM_005912.2); short protein forms N240S.
Identifiers: ClinVar variation 917432 (VCV000917432.11), dbSNP rs202228712, ClinGen allele CA8980856.